The following is an entry in ClinVar:

ClinVar aggregate classification (germline): Uncertain significance (1 of 4 stars; one submission).

Conditions:
Ehlers-Danlos syndrome, type 4 (EDSVASC). Also called: Ehlers-Danlos Syndrome Type IV; Ehlers-Danlos syndrome vascular type; Ehlers Danlos syndrome, ecchymotic type; Ehlers Danlos syndrome, arterial type; Ehlers Danlos syndrome, Sack-Barabas type. Identifiers: Orphanet 286, MedGen C0268338, MONDO:0017314, OMIM 130050.

Submission:

All of Us Research Program, National Institutes of Health
Classification: Uncertain significance for Ehlers-Danlos syndrome, type 4. Last evaluated: 2023-04-03. Review status: criteria provided, single submitter. Criteria: ACMG Guidelines, 2015. Collection method: clinical testing. Allele origin: germline. Inheritance: Autosomal dominant inheritance. Observed: 1 variant allele, 1 heterozygote.
Comment: This missense variant replaces serine with threonine at codon 469 of the COL3A1 protein. Computational prediction suggests that this variant may not impact protein structure and function (internally defined REVEL score threshold <= 0.5, PMID: 27666373). To our knowledge, functional studies have not been reported for this variant. This variant has not been reported in individuals affected with COL3A1-related disorders in the literature. This variant has not been identified in the general population by the Genome Aggregation Database (gnomAD). The available evidence is insufficient to determine the role of this variant in disease conclusively. Therefore, this variant is classified as a Variant of Uncertain Significance.

This study involves interpretation of variants in research participants for the purpose of population health screening. Participant phenotype was not available at the time of variant classification. Additional details can be found in publication PMID: 35346344, PMCID: PMC8962531

NM_000090.4(COL3A1):c.1405T>A (p.Ser469Thr)

Gene: COL3A1 (collagen type III alpha 1 chain; plus strand). Cytogenetic location: 2q32.2.
Variant type: single nucleotide variant.
Coding change: c.1405T>A on transcript NM_000090.4 (MANE Select); coding-DNA position 1405, T replaced by A.
Protein change: p.Ser469Thr; replaces serine 469 with threonine.
Molecular consequence: missense variant.
Genome position (GRCh38, 1-based): chr2:188,994,781, T>A. VCF-style: chr2-188994781-T-A. GRCh37 (hg19) VCF-style: chr2-189859507-T-A.
Other names: short protein forms S469T.
Identifiers: ClinVar variation 3070274 (VCV003070274.1), dbSNP rs2469130242, ClinGen allele CA349851853.